The following is an entry in ClinVar:

NM_001276270.2(MBD4):c.1550A>G (p.Tyr517Cys)

Gene: MBD4 (methyl-CpG binding domain 4, DNA glycosylase; minus strand). Cytogenetic location: 3q21.3.
Variant type: single nucleotide variant.
Coding change: c.1550A>G on transcript NM_001276270.2 (MANE Select); coding-DNA position 1550, A replaced by G.
Protein change: p.Tyr517Cys; replaces tyrosine 517 with cysteine.
Molecular consequence: missense variant.
Genome position (GRCh38, 1-based): chr3:129,432,600, T>C on the plus strand (A>G on the coding strand, the complement: MBD4 is on the minus strand). VCF-style: chr3-129432600-T-C. GRCh37 (hg19) VCF-style: chr3-129151443-T-C.
Other names: c.1568A>G, p.Tyr523Cys (NM_001276271.2, NM_001276272.2, NM_003925.3); c.614A>G, p.Tyr205Cys (NM_001276273.2); short protein forms Y517C, Y523C, Y205C.
Identifiers: ClinVar variation 3543772 (VCV003543772.1).

ClinVar aggregate classification (germline): Uncertain significance (1 of 4 stars; one submission).

Conditions:
Inborn genetic diseases. Identifiers: MedGen C0950123, MeSH D030342.

Submission:

Ambry Genetics
Classification: Uncertain significance for Inborn genetic diseases. Last evaluated: 2024-11-25. Review status: criteria provided, single submitter. Criteria: Ambry Variant Classification Scheme 2023. Collection method: clinical testing. Allele origin: germline.
Comment: The p.Y517C variant (also known as c.1550A>G), located in coding exon 7 of the MBD4 gene, results from an A to G substitution at nucleotide position 1550. The tyrosine at codon 517 is replaced by cysteine, an amino acid with highly dissimilar properties. This amino acid position is conserved. In addition, this alteration is predicted to be deleterious by in silico analysis. Based on the available evidence, the clinical significance of this variant remains unclear.